The following is an entry in ClinVar:

ClinVar aggregate classification (germline): Uncertain significance. Review status: criteria provided, multiple submitters, no conflicts (2 of 4 stars). 3 submissions from 3 submitters: Uncertain significance (3). Last evaluated 2024-11-25.

Conditions:
Hyperaldosteronism, familial, type IV (HALD4). Also called: FH IV; ALDOSTERONISM, PRIMARY, AND HYPERTENSION. Identifiers: Orphanet 642671, MedGen C4310756, MONDO:0014875, OMIM 617027.
Idiopathic generalized epilepsy. Also called: EIG; Generalised epilepsy. Identifiers: MedGen C0270850, MONDO:0005579, OMIM 600669.
Inborn genetic diseases. Identifiers: MedGen C0950123, MeSH D030342.
Epilepsy, childhood absence, susceptibility to, 6. Identifiers: Orphanet 64280, MedGen C2749872, MONDO:0012763, OMIM 611942.

Allele frequency attached by ClinVar (database versions not stated): gnomAD 0.00001; TOPMed 0.00006.

Submissions (3):

Ambry Genetics
Classification: Uncertain significance for Inborn genetic diseases. Last evaluated: 2024-11-25. Review status: criteria provided, single submitter. Criteria: Ambry Variant Classification Scheme 2023. Collection method: clinical testing. Allele origin: germline.

Fulgent Genetics
Classification: Uncertain significance for Epilepsy, childhood absence, susceptibility to, 6; Hyperaldosteronism, familial, type IV. Last evaluated: 2024-02-28. Review status: criteria provided, single submitter. Criteria: ACMG Guidelines, 2015. Collection method: clinical testing. Allele origin: germline.

Labcorp Genetics (formerly Invitae), Labcorp
Classification: Uncertain significance for Idiopathic generalized epilepsy; Hyperaldosteronism, familial, type IV. Last evaluated: 2020-03-17. Review status: criteria provided, single submitter. Criteria: Invitae Variant Classification Sherloc (09022015). Collection method: clinical testing. Allele origin: germline.
Comment: This sequence change replaces glutamic acid with lysine at codon 103 of the CACNA1H protein (p.Glu103Lys). The glutamic acid residue is highly conserved and there is a small physicochemical difference between glutamic acid and lysine. This variant is not present in population databases (ExAC no frequency). This variant has not been reported in the literature in individuals with CACNA1H-related conditions. Algorithms developed to predict the effect of missense changes on protein structure and function are either unavailable or do not agree on the potential impact of this missense change (SIFT: "Deleterious"; PolyPhen-2: "Probably Damaging"; Align-GVGD: "Class C0"). In summary, the available evidence is currently insufficient to determine the role of this variant in disease. Therefore, it has been classified as a Variant of Uncertain Significance.

NM_021098.3(CACNA1H):c.307G>A (p.Glu103Lys)

Gene: CACNA1H (calcium voltage-gated channel subunit alpha1 H; plus strand). Cytogenetic location: 16p13.3.
Variant type: single nucleotide variant.
Coding change: c.307G>A on transcript NM_021098.3 (MANE Select); coding-DNA position 307, G replaced by A.
Protein change: p.Glu103Lys; replaces glutamic acid 103 with lysine.
Molecular consequence: missense variant.
Genome position (GRCh38, 1-based): chr16:1,194,979, G>A. VCF-style: chr16-1194979-G-A. GRCh37 (hg19) VCF-style: chr16-1244979-G-A.
Other names: c.307G>A, p.Glu103Lys (NM_001005407.2); c.307G>A (NM_021098.2); short protein forms E103K.
Identifiers: ClinVar variation 1039432 (VCV001039432.11), dbSNP rs970648879, ClinGen allele CA276635697.